The following is an entry in ClinVar:

ClinVar aggregate classification (germline): Uncertain significance. Review status: criteria provided, multiple submitters, no conflicts (2 of 4 stars). 5 submissions from 5 submitters: Uncertain significance (5). Last evaluated 2026-04-21.

Conditions:
TTC21B-related disorder. Also called: TTC21B-related disorders; TTC21B-related condition.
Inborn genetic diseases. Identifiers: MedGen C0950123, MeSH D030342.
Nephronophthisis 12 (NPHP12). Identifiers: Orphanet 655, MedGen C3151186, MONDO:0013442, OMIM 613820.
Asphyxiating thoracic dystrophy 4 (SRTD4). Also called: SHORT-RIB THORACIC DYSPLASIA 4 WITH OR WITHOUT POLYDACTYLY; SHORT-RIB THORACIC DYSPLASIA 4. Identifiers: Orphanet 474, MedGen C3151185, MONDO:0013441, OMIM 613819.
Nephronophthisis. Also called: Juvenile Nephronophthisis. Identifiers: Orphanet 655, MedGen C0687120, MONDO:0019005, HP:0000090.
Jeune thoracic dystrophy. Also called: Jeune syndrome; Infantile thoracic dystrophy; Thoracic pelvic phalangeal dystrophy; Jeune's syndrome; Chondroectodermal dysplasia-like syndrome; Short-rib thoracic dysplasia. Identifiers: Orphanet 474, MedGen C0265275, MONDO:0018770.

Allele frequency attached by ClinVar (database versions not stated): gnomAD exomes below 0.00001 and 0.00001; ExAC 0.00002; TOPMed 0.00003; gnomAD 0.00005 and 0.00006.
gnomAD v4.1: 11 of 1,613,832 alleles (0.00068%); highest among the groups gnomAD compares: African/African-American, 0.013%; no homozygotes.

Submissions (5):

PreventionGenetics, part of Exact Sciences
Classification: Uncertain significance for TTC21B-related condition. Last evaluated: 2026-04-21. Review status: criteria provided, single submitter. Criteria: ACMG Guidelines, 2015. Collection method: clinical testing. Allele origin: germline.
Comment: The TTC21B c.575A>G variant is predicted to result in the amino acid substitution p.Gln192Arg. To our knowledge, this variant has not been reported in the literature. This variant is reported in 0.018% of alleles in individuals of African descent in gnomAD. At this time, the clinical significance of this variant is uncertain due to the absence of conclusive functional and genetic evidence.

GeneDx
Classification: Uncertain significance. Last evaluated: 2025-12-23. Review status: criteria provided, single submitter. Criteria: GeneDx Variant Classification Process June 2021. Collection method: clinical testing. Allele origin: germline.
Comment: In silico analysis suggests that this missense variant does not alter protein structure/function; Has not been previously published as pathogenic or benign to our knowledge

Ambry Genetics
Classification: Uncertain significance for Inborn genetic diseases. Last evaluated: 2024-05-13. Review status: criteria provided, single submitter. Criteria: Ambry Variant Classification Scheme 2023. Collection method: clinical testing. Allele origin: germline.

Labcorp Genetics (formerly Invitae), Labcorp
Classification: Uncertain significance for Jeune thoracic dystrophy; Nephronophthisis. Last evaluated: 2022-09-27. Review status: criteria provided, single submitter. Criteria: Invitae Variant Classification Sherloc (09022015). Collection method: clinical testing. Allele origin: germline.
Comment: ClinVar contains an entry for this variant (Variation ID: 1443016). Advanced modeling of protein sequence and biophysical properties (such as structural, functional, and spatial information, amino acid conservation, physicochemical variation, residue mobility, and thermodynamic stability) performed at Invitae indicates that this missense variant is not expected to disrupt TTC21B protein function. In summary, the available evidence is currently insufficient to determine the role of this variant in disease. Therefore, it has been classified as a Variant of Uncertain Significance. This variant has not been reported in the literature in individuals affected with TTC21B-related conditions. This sequence change replaces glutamine, which is neutral and polar, with arginine, which is basic and polar, at codon 192 of the TTC21B protein (p.Gln192Arg). This variant is present in population databases (rs769057187, gnomAD 0.02%).

Fulgent Genetics
Classification: Uncertain significance for Asphyxiating thoracic dystrophy 4; Nephronophthisis 12. Last evaluated: 2022-02-03. Review status: criteria provided, single submitter. Criteria: ACMG Guidelines, 2015. Collection method: clinical testing. Allele origin: unknown.

NM_024753.5(TTC21B):c.575A>G (p.Gln192Arg)

Genes: TTC21B (tetratricopeptide repeat domain 21B; minus strand), TTC21B-AS1 (TTC21B antisense RNA 1; plus strand). Cytogenetic location: 2q24.3.
Variant type: single nucleotide variant.
Coding change: c.575A>G on transcript NM_024753.5 (MANE Select); coding-DNA position 575, A replaced by G.
Protein change: p.Gln192Arg; replaces glutamine 192 with arginine.
Molecular consequence: missense variant.
Genome position (GRCh38, 1-based): chr2:165,941,162, T>C on the plus strand (A>G on the coding strand, the complement: TTC21B is on the minus strand). VCF-style: chr2-165941162-T-C. GRCh37 (hg19) VCF-style: chr2-166797672-T-C.
Other names: c.575A>G (NM_024753.4, NM_024753.3); short protein forms Q192R.
Identifiers: ClinVar variation 1443016 (VCV001443016.11), dbSNP rs769057187, ClinGen allele CA1942387.